The following is an entry in ClinVar:

ClinVar aggregate classification (germline): Likely pathogenic (1 of 4 stars; one submission).

Submission:

Labcorp Genetics (formerly Invitae), Labcorp
Classification: Likely pathogenic. Last evaluated: 2025-03-07. Review status: criteria provided, single submitter. Criteria: Invitae Variant Classification Sherloc (09022015). Collection method: clinical testing. Allele origin: germline.
Comment: This sequence change affects an acceptor splice site in intron 17 of the NTRK2 gene. It is expected to disrupt RNA splicing. Variants that disrupt the donor or acceptor splice site typically lead to a loss of protein function (PMID: 16199547), and loss-of-function variants in NTRK2 are known to be pathogenic (PMID: 23512795, 27884935). This variant is not present in population databases (gnomAD no frequency). This variant has not been reported in the literature in individuals affected with NTRK2-related conditions. ClinVar contains an entry for this variant (Variation ID: 1388087). Algorithms developed to predict the effect of sequence changes on RNA splicing suggest that this variant may disrupt the consensus splice site. In summary, the currently available evidence indicates that the variant is pathogenic, but additional data are needed to prove that conclusively. Therefore, this variant has been classified as Likely Pathogenic.

Literature cited by the submitters: PubMed 16199547; PubMed 23512795; PubMed 27884935.

NM_006180.6(NTRK2):c.1765-1G>A

Gene: NTRK2 (neurotrophic receptor tyrosine kinase 2; plus strand). Cytogenetic location: 9q21.33.
Variant type: single nucleotide variant.
Coding change: c.1765-1G>A on transcript NM_006180.6 (MANE Select); the canonical splice acceptor site of the intron before coding-DNA position 1765, G replaced by A.
Molecular consequence: splice acceptor variant.
Genome position (GRCh38, 1-based): chr9:84,948,461, G>A. VCF-style: chr9-84948461-G-A. GRCh37 (hg19) VCF-style: chr9-87563376-G-A.
Other names: c.1717-1G>A (NM_001369532.1, NM_001369533.1, NM_001018064.3); c.1681-1G>A (NM_001369534.1); c.1297-1G>A (NM_001369536.1); c.1249-1G>A (NM_001369535.1).
Identifiers: ClinVar variation 1388087 (VCV001388087.8), dbSNP rs2132880685, ClinGen allele CA374009026.